The following is an entry in ClinVar:

NM_020717.5(SHROOM4):c.1627A>T (p.Thr543Ser)

Gene: SHROOM4 (shroom family member 4; minus strand). Cytogenetic location: Xp11.22.
Variant type: single nucleotide variant.
Coding change: c.1627A>T on transcript NM_020717.5 (MANE Select); coding-DNA position 1627, A replaced by T.
Protein change: p.Thr543Ser; replaces threonine 543 with serine.
Molecular consequence: missense variant. On other transcripts: non-coding transcript variant (4).
Genome position (GRCh38, 1-based): chrX:50,634,446, T>A on the plus strand (A>T on the coding strand, the complement: SHROOM4 is on the minus strand). VCF-style: chrX-50634446-T-A. GRCh37 (hg19) VCF-style: chrX-50377446-T-A.
Other names: short protein forms T543S.
Identifiers: ClinVar variation 130307 (VCV000130307.15), dbSNP rs61748324, ClinGen allele CA155198.

ClinVar aggregate classification (germline): Benign. Review status: criteria provided, multiple submitters, no conflicts (2 of 4 stars). 4 submissions from 4 submitters: Benign (3). 1 of the submissions does not count toward it. Last evaluated 2019-12-31.

Allele frequency attached by ClinVar (database versions not stated): gnomAD exomes 0.00205 and 0.00507; ExAC 0.00681; gnomAD 0.01620 and 0.01731; TOPMed 0.01878; 1000 Genomes Project 30x 0.01998; ESP Exome Variant Server 0.02083; 1000 Genomes Project 0.02093.
gnomAD v4.1: 4,196 of 1,209,659 alleles (0.35%); highest among the groups gnomAD compares: African/African-American, 5.8%; 92 homozygotes.

Submissions (4):

Labcorp Genetics (formerly Invitae), Labcorp
Classification: Benign. Last evaluated: 2019-12-31. Review status: criteria provided, single submitter. Criteria: Invitae Variant Classification Sherloc (09022015). Collection method: clinical testing. Allele origin: germline.

Ambry Genetics
Classification: Benign. Last evaluated: 2015-10-12. Review status: criteria provided, single submitter. Criteria: Ambry Variant Classification Scheme 2023. Collection method: clinical testing. Allele origin: germline.

Breakthrough Genomics
Classification: Benign. Review status: criteria provided, single submitter. Criteria: ACMG Guidelines, 2015. Collection method: not provided. Allele origin: germline. Inheritance: Unknown mechanism. Affected: yes.

Genetic Services Laboratory, University of Chicago
Classification: Likely benign for AllHighlyPenetrant. Review status: no assertion criteria provided. Collection method: clinical testing. Allele origin: germline. Inheritance: X-linked inheritance. Not counted in ClinVar's aggregate classification.
Comment: Likely benign based on allele frequency in 1000 Genomes Project or ESP global frequency and its presence in a patient with a rare or unrelated disease phenotype. NOT Sanger confirmed.